The following is an entry in ClinVar:

ClinVar aggregate classification (germline): Uncertain significance (1 of 4 stars; one submission).

Submission:

Labcorp Genetics (formerly Invitae), Labcorp
Classification: Uncertain significance. Last evaluated: 2021-12-27. Review status: criteria provided, single submitter. Criteria: Invitae Variant Classification Sherloc (09022015). Collection method: clinical testing. Allele origin: germline.
Comment: In summary, the available evidence is currently insufficient to determine the role of this variant in disease. Therefore, it has been classified as a Variant of Uncertain Significance. Algorithms developed to predict the effect of missense changes on protein structure and function are either unavailable or do not agree on the potential impact of this missense change (SIFT: "Deleterious"; PolyPhen-2: "Probably Damaging"; Align-GVGD: "Class C0"). This variant has not been reported in the literature in individuals affected with A2ML1-related conditions. This variant is not present in population databases (gnomAD no frequency). This sequence change replaces cysteine, which is neutral and slightly polar, with arginine, which is basic and polar, at codon 589 of the A2ML1 protein (p.Cys589Arg).

NM_144670.6(A2ML1):c.1765T>C (p.Cys589Arg)

Gene: A2ML1 (alpha-2-macroglobulin like 1; plus strand). Cytogenetic location: 12p13.31.
Variant type: single nucleotide variant.
Coding change: c.1765T>C on transcript NM_144670.6 (MANE Select); coding-DNA position 1765, T replaced by C.
Protein change: p.Cys589Arg; replaces cysteine 589 with arginine.
Molecular consequence: missense variant.
Genome position (GRCh38, 1-based): chr12:8,847,630, T>C. VCF-style: chr12-8847630-T-C. GRCh37 (hg19) VCF-style: chr12-9000226-T-C.
Other names: c.292T>C, p.Cys98Arg (NM_001282424.3); short protein forms C98R, C589R.
Identifiers: ClinVar variation 2063046 (VCV002063046.4), dbSNP rs1943738719, ClinGen allele CA383829591.